The following is an entry in ClinVar:

ClinVar aggregate classification (germline): Uncertain significance (1 of 4 stars; one submission).

Submission:

Labcorp Genetics (formerly Invitae), Labcorp
Classification: Uncertain significance. Last evaluated: 2023-12-17. Review status: criteria provided, single submitter. Criteria: Invitae Variant Classification Sherloc (09022015). Collection method: clinical testing. Allele origin: germline.
Comment: This sequence change replaces serine, which is neutral and polar, with isoleucine, which is neutral and non-polar, at codon 172 of the EMC1 protein (p.Ser172Ile). This variant is not present in population databases (gnomAD no frequency). This variant has not been reported in the literature in individuals affected with EMC1-related conditions. Advanced modeling of protein sequence and biophysical properties (such as structural, functional, and spatial information, amino acid conservation, physicochemical variation, residue mobility, and thermodynamic stability) performed at Invitae indicates that this missense variant is not expected to disrupt EMC1 protein function with a negative predictive value of 80%. In summary, the available evidence is currently insufficient to determine the role of this variant in disease. Therefore, it has been classified as a Variant of Uncertain Significance.

NM_015047.3(EMC1):c.515G>T (p.Ser172Ile)

Gene: EMC1 (ER membrane protein complex subunit 1; minus strand). Cytogenetic location: 1p36.13.
Variant type: single nucleotide variant.
Coding change: c.515G>T on transcript NM_015047.3 (MANE Select); coding-DNA position 515, G replaced by T.
Protein change: p.Ser172Ile; replaces serine 172 with isoleucine.
Molecular consequence: missense variant.
Genome position (GRCh38, 1-based): chr1:19,241,137, C>A on the plus strand (G>T on the coding strand, the complement: EMC1 is on the minus strand). VCF-style: chr1-19241137-C-A. GRCh37 (hg19) VCF-style: chr1-19567631-C-A.
Other names: c.515G>T, p.Ser172Ile (NM_001271427.2, NM_001271428.2, NM_001375820.1 and 1 more transcripts); c.449G>T, p.Ser150Ile (NM_001271429.2); short protein forms S150I, S172I.
Identifiers: ClinVar variation 2738350 (VCV002738350.3), dbSNP rs2536790308, ClinGen allele CA338770332.